The following is an entry in ClinVar:

NM_001127222.2(CACNA1A):c.1084G>T (p.Glu362Ter)

Gene: CACNA1A (calcium voltage-gated channel subunit alpha1 A; minus strand). Cytogenetic location: 19p13.13.
Variant type: single nucleotide variant.
Coding change: c.1084G>T on transcript NM_001127222.2 (MANE Select); coding-DNA position 1084, G replaced by T.
Protein change: p.Glu362Ter; replaces glutamic acid 362 with a stop codon.
Molecular consequence: nonsense.
Genome position (GRCh38, 1-based): chr19:13,334,492, C>A on the plus strand (G>T on the coding strand, the complement: CACNA1A is on the minus strand). VCF-style: chr19-13334492-C-A. GRCh37 (hg19) VCF-style: chr19-13445306-C-A.
Other names: c.1084G>T, p.Glu362Ter (NM_000068.4, NM_001127221.2, NM_001174080.2 and 1 more transcripts); short protein forms E362*.
Identifiers: ClinVar variation 423809 (VCV000423809.2), dbSNP rs1064796640, ClinGen allele CA16620799.

ClinVar aggregate classification (germline): Likely pathogenic (1 of 4 stars; one submission).

Submission:

GeneDx
Classification: Likely pathogenic. Last evaluated: 2017-02-24. Review status: criteria provided, single submitter. Criteria: GeneDx Variant Classification (06012015). Collection method: clinical testing. Allele origin: germline. Affected: yes.
Comment: The E362X variant in the CACNA1A gene has not been reported previously as a pathogenic variantnor as a benign variant, to our knowledge. This variant is predicted to cause loss of normal proteinfunction either through protein truncation or nonsense-mediated mRNA decay. The E362X variant isnot observed in large population cohorts (Lek et al., 2016; 1000 Genomes Consortium et al., 2015;Exome Variant Server). We interpret E362X as a likely pathogenic variant